The following is an entry in ClinVar:

NM_006206.6(PDGFRA):c.1450G>A (p.Val484Met)

Gene: PDGFRA (platelet derived growth factor receptor alpha; plus strand). Cytogenetic location: 4q12.
Variant type: single nucleotide variant.
Coding change: c.1450G>A on transcript NM_006206.6 (MANE Select); coding-DNA position 1450, G replaced by A.
Protein change: p.Val484Met; replaces valine 484 with methionine.
Molecular consequence: missense variant.
Genome position (GRCh38, 1-based): chr4:54,273,622, G>A. VCF-style: chr4-54273622-G-A. GRCh37 (hg19) VCF-style: chr4-55139789-G-A.
Other names: c.1450G>A (NM_006206.5); c.1450G>A, p.Val484Met (NM_001347827.2, NM_001347829.2); c.1525G>A, p.Val509Met (NM_001347828.2); c.1489G>A, p.Val497Met (NM_001347830.2); short protein forms V484M, V497M, V509M.
Identifiers: ClinVar variation 240309 (VCV000240309.26), dbSNP rs149031291, ClinGen allele CA2922572.
Genomic context (GRCh38, chr4:54,273,622, plus strand): 5'-ATTTTGGCCAACAATGTCTCAAACATCATCACGGAGATCCACTCCCGAGACAGGAGTACC[G>A]TGGAGGGCCGTGTGACTTTCGCCAAAGTGGAGGAGACCATCGCCGTGCGATGCCTGGCTA-3'
Protein context (NP_006197.1, residues 474-494): TEIHSRDRST[Val484Met]EGRVTFAKVE

ClinVar aggregate classification (germline): Conflicting classifications of pathogenicity. Review status: criteria provided, conflicting classifications (1 of 4 stars). 10 submissions from 9 submitters: Uncertain significance (7); Benign (1); Likely benign (2). Last evaluated 2026-06-15.

Conditions:
Polyps, multiple and recurrent inflammatory fibroid, gastrointestinal. Identifiers: MedGen C5193005, MONDO:0008285, OMIM 175510.
PDGFRA-related disorder. Also called: PDGFRA-related condition.
Idiopathic hypereosinophilic syndrome (HES). Identifiers: Orphanet 3260, MedGen C0206141, MONDO:0011895, OMIM 607685. Disease mechanism: gain of function.
Hereditary cancer-predisposing syndrome. Also called: Neoplastic Syndromes, Hereditary; Hereditary neoplastic syndrome; Hereditary Cancer Syndrome; Tumor predisposition. Identifiers: Orphanet 140162, MedGen C0027672, MeSH D009386, MONDO:0015356.
Gastrointestinal stromal tumor. Also called: Gastrointestinal stromal tumor, somatic; Gastrointestinal stroma tumor. Identifiers: Orphanet 44890, MedGen C0238198, MeSH D046152, MONDO:0011719, OMIM 606764, HP:0100723.

Allele frequency attached by ClinVar (database versions not stated): gnomAD exomes 0.00008 and 0.00006; ESP Exome Variant Server 0.00023; ExAC 0.00002; gnomAD 0.00004 and 0.00005; TOPMed 0.00006.
gnomAD v4.1: 124 of 1,613,876 alleles (0.0077%); highest among the groups gnomAD compares: Middle Eastern, 0.016%; no homozygotes.

Submissions (10):

Myriad Genetics, Inc.
Classification: Likely benign for Polyps, multiple and recurrent inflammatory fibroid, gastrointestinal. Last evaluated: 2026-06-15. Review status: criteria provided, single submitter. Criteria: Myriad Autosomal Dominant, Autosomal Recessive and X-Linked Classification Criteria (2023). Collection method: clinical testing. Allele origin: unknown.
Comment: This variant is considered likely benign. This variant has been observed at a population frequency that is significantly greater than expected given the associated disease prevalence and penetrance.

Labcorp Genetics (formerly Invitae), Labcorp
Classification: Uncertain significance for Gastrointestinal stromal tumor. Last evaluated: 2026-01-20. Review status: criteria provided, single submitter. Criteria: Invitae Variant Classification Sherloc (09022015). Collection method: clinical testing. Allele origin: germline.
Comment: This sequence change replaces valine, which is neutral and non-polar, with methionine, which is neutral and non-polar, at codon 484 of the PDGFRA protein (p.Val484Met). This variant is present in population databases (rs149031291, gnomAD 0.02%). This variant has not been reported in the literature in individuals affected with PDGFRA-related conditions. ClinVar contains an entry for this variant (Variation ID: 240309). Invitae Evidence Modeling of protein sequence and biophysical properties (such as structural, functional, and spatial information, amino acid conservation, physicochemical variation, residue mobility, and thermodynamic stability) indicates that this missense variant is not expected to disrupt PDGFRA protein function with a negative predictive value of 80%. Experimental studies have shown that this missense change does not substantially affect PDGFRA function (PMID: 30389923). In summary, the available evidence is currently insufficient to determine the role of this variant in disease. Therefore, it has been classified as a Variant of Uncertain Significance.

PreventionGenetics, part of Exact Sciences
Classification: Uncertain significance for PDGFRA-related condition. Last evaluated: 2025-06-03. Review status: criteria provided, single submitter. Criteria: ACMG Guidelines, 2015. Collection method: clinical testing. Allele origin: germline.
Comment: The PDGFRA c.1450G>A variant is predicted to result in the amino acid substitution p.Val484Met. To our knowledge, this variant has not been reported in the literature in individuals with PDGFRA-related disease. Functional analysis of the p.Val484Met substitution determined this amino acid change did not impact protein function (Ip et al. 2018. PubMed ID: 30389923). This variant is reported in 0.015% of alleles in individuals of East Asian descent in gnomAD and has conflicting interpretations of pathogenicity ranging from benign to uncertain significance in ClinVar. At this time, the clinical significance of this variant is uncertain due to the absence of conclusive functional and genetic evidence.

ARUP Laboratories, Molecular Genetics and Genomics, ARUP Laboratories
Classification: Uncertain significance. Last evaluated: 2025-05-12. Review status: criteria provided, single submitter. Criteria: ARUP Molecular Germline Variant Investigation Process 2024. Collection method: clinical testing. Allele origin: germline.
Comment: The PDGFRA c.1450G>A; p.Val484Met variant (rs149031291, ClinVar Variation ID: 240309), is reported in cancer cohorts (Ip 2018). This variant is found in the general population with an overall allele frequency of 0.0057% (16/282522 alleles) in the Genome Aggregation Database (v2.1.1). Functional analysis of the variant protein shows that this missense change does not substantially affect cell proliferation (Ip 2018). Computational analyses are uncertain whether this variant is neutral or deleterious (REVEL: 0.208). Due to limited information, the clinical significance of this variant is uncertain at this time. References: Ip CKM et al. Neomorphic PDGFRA extracellular domain driver mutations are resistant to PDGFRA targeted therapies. Nat Commun. 2018 Nov 2;9(1):4583. PMID: 30389923.

GeneDx
Classification: Uncertain significance. Last evaluated: 2024-02-05. Review status: criteria provided, single submitter. Criteria: GeneDx Variant Classification Process June 2021. Collection method: clinical testing. Allele origin: germline.
Comment: In silico analysis supports that this missense variant does not alter protein structure/function; Published functional studies suggest no impact on cell viability (PMID: 30389923); This variant is associated with the following publications: (PMID: 30389923)

Fulgent Genetics
Classification: Uncertain significance for Polyps, multiple and recurrent inflammatory fibroid, gastrointestinal; Idiopathic hypereosinophilic syndrome. Last evaluated: 2024-01-17. Review status: criteria provided, single submitter. Criteria: ACMG Guidelines, 2015. Collection method: clinical testing. Allele origin: germline.

Ambry Genetics
Classification: Likely benign for Hereditary cancer-predisposing syndrome. Last evaluated: 2021-08-12. Review status: criteria provided, single submitter. Criteria: Ambry Variant Classification Scheme 2023. Collection method: clinical testing. Allele origin: germline.

CeGaT Center for Human Genetics Tuebingen
Classification: Uncertain significance. Last evaluated: 2018-02-28. Review status: criteria provided, single submitter. Criteria: Praxis fuer Humangenetik Tuebingen - Variant Classification Criteria. Collection method: clinical testing. Allele origin: germline. Affected: yes. Observed: 1 variant allele.

Illumina Laboratory Services, Illumina
Classification: Uncertain significance for Gastrointestinal stromal tumor. Last evaluated: 2018-01-19. Review status: criteria provided, single submitter. Criteria: ICSL Variant Classification Criteria 13 December 2019. Collection method: clinical testing. Allele origin: germline.

Illumina Laboratory Services, Illumina
Classification: Benign for Idiopathic hypereosinophilic syndrome. Last evaluated: 2018-01-15. Review status: criteria provided, single submitter. Criteria: ICSL Variant Classification Criteria 13 December 2019. Collection method: clinical testing. Allele origin: germline.
Comment: This variant was observed in the ICSL laboratory as part of a predisposition screen in an ostensibly healthy population. It had not been previously curated by ICSL or reported in the Human Gene Mutation Database (HGMD: prior to June 1st, 2018), and was therefore a candidate for classification through an automated scoring system. Utilizing variant allele frequency, disease prevalence and penetrance estimates, and inheritance mode, an automated score was calculated to assess if this variant is too frequent to cause the disease. Based on the score and internal cut-off values, a variant classified as benign is not then subjected to further curation. The score for this variant resulted in a classification of benign for this disease.

Literature cited by the submitters: PubMed 30389923 (cited by Labcorp Genetics (formerly Invitae), Labcorp).